The following is an entry in ClinVar:

NM_000187.4(HGD):c.656_657insAATCAA (p.Ala218_Asn219insLysIle)

Gene: HGD (homogentisate 1,2-dioxygenase; minus strand). Cytogenetic location: 3q13.33.
Variant type: Insertion.
Coding change: c.656_657insAATCAA on transcript NM_000187.4 (MANE Select); coding-DNA positions 656 to 657, AATCAA inserted.
Protein change: p.Ala218_Asn219insLysIle.
Molecular consequence: inframe insertion.
Genome position: GRCh38 VCF-style: chr3-120644436-A-ATTGATT. GRCh37 (hg19) VCF-style: chr3-120363283-A-ATTGATT.
Identifiers: ClinVar variation 2584697 (VCV002584697.3), dbSNP rs2472690386, ClinGen allele CA2577865166.

ClinVar aggregate classification (germline): Uncertain significance. Review status: criteria provided, single submitter (1 of 4 stars). 2 submissions from 2 submitters: Uncertain significance (1). 1 of the submissions does not count toward it. Last evaluated 2026-03-31.

Conditions:
Alkaptonuria (AKU). Also called: Alcaptonuria; HOMOGENTISIC ACID OXIDASE DEFICIENCY; Homogentisic acidura; Alkaptonuric ochronosis. Identifiers: Orphanet 56, MedGen C0002066, MONDO:0008753, OMIM 203500.

Submissions (2):

Myriad Genetics, Inc.
Classification: Uncertain significance for Alkaptonuria. Last evaluated: 2026-03-31. Review status: criteria provided, single submitter. Criteria: Myriad Autosomal Dominant, Autosomal Recessive and X-Linked Classification Criteria (2023). Collection method: clinical testing. Allele origin: unknown.
Comment: NM_000187.3(HGD):c.656_657ins6(A218_N219insKI) is an in-frame insertion classified as a variant of uncertain significance in the context of alkaptonuria. A218_N219insKI has been observed in cases with relevant disease (PMID: 30737480, 31927521). Relevant functional assessments of this variant are not available in the literature. A218_N219insKI has not been observed in referenced population frequency databases. In summary, there is insufficient evidence to classify NM_000187.3(HGD):c.656_657ins6(A218_N219insKI) as pathogenic or benign. Please note: this variant was assessed in the context of healthy population screening.

Department Of Human Genetics, Institute Of Clinical And Translational Research, Biomedical Research Center, Slovak Academy Of Sciences
Classification: Pathogenic for Alkaptonuria. Review status: no assertion criteria provided. Collection method: research. Allele origin: germline. Inheritance: Autosomal recessive inheritance. Affected: yes. Observed: 3 variant alleles. Not counted in ClinVar's aggregate classification.
Comment: The variant was originally described in PMID:30737480. It has been submitted to the HGD gene mutation database (DB-ID: AKU_00203).

Literature cited by the submitters: PubMed 30737480 (cited by Myriad Genetics, Inc. and Department Of Human Genetics, Institute Of Clinical And Translational Research, Biomedical Research Center, Slovak Academy Of Sciences); PubMed 31927521 (cited by Myriad Genetics, Inc.).